The following is an entry in ClinVar:

ClinVar aggregate classification (germline): Uncertain significance. Review status: criteria provided, multiple submitters, no conflicts (2 of 4 stars). 3 submissions from 3 submitters: Uncertain significance (3). Last evaluated 2025-04-14.

Conditions:
Hereditary cancer-predisposing syndrome. Also called: Hereditary Cancer Syndrome; Hereditary neoplastic syndrome; Tumor predisposition; Neoplastic Syndromes, Hereditary. Identifiers: Orphanet 140162, MedGen C0027672, MeSH D009386, MONDO:0015356.
Cardiovascular phenotype. Identifiers: MedGen CN230736.
LZTR1-related schwannomatosis. Also called: Schwannomatosis-2, susceptibility to; Schwannomatosis 2. Identifiers: Orphanet 93921, MedGen C3810283, MONDO:0014299, OMIM 615670.

Allele frequency attached by ClinVar (database versions not stated): gnomAD exomes below 0.00001.
gnomAD v4.1: 4 of 1,613,680 alleles (0.00025%); highest among the groups gnomAD compares: Non-Finnish European, 0.00034%; no homozygotes.

Submissions (3):

Labcorp Genetics (formerly Invitae), Labcorp
Classification: Uncertain significance. Last evaluated: 2025-04-14. Review status: criteria provided, single submitter. Criteria: Invitae Variant Classification Sherloc (09022015). Collection method: clinical testing. Allele origin: germline.
Comment: This sequence change replaces histidine, which is basic and polar, with tyrosine, which is neutral and polar, at codon 794 of the LZTR1 protein (p.His794Tyr). This variant is not present in population databases (gnomAD no frequency). This variant has not been reported in the literature in individuals affected with LZTR1-related conditions. ClinVar contains an entry for this variant (Variation ID: 1790438). Invitae Evidence Modeling of protein sequence and biophysical properties (such as structural, functional, and spatial information, amino acid conservation, physicochemical variation, residue mobility, and thermodynamic stability) indicates that this missense variant is not expected to disrupt LZTR1 protein function with a negative predictive value of 80%. In summary, the available evidence is currently insufficient to determine the role of this variant in disease. Therefore, it has been classified as a Variant of Uncertain Significance.

Baylor Genetics
Classification: Uncertain significance for LZTR1-related schwannomatosis. Last evaluated: 2023-07-10. Review status: criteria provided, single submitter. Criteria: ACMG Guidelines, 2015. Collection method: clinical testing. Allele origin: unknown.

Ambry Genetics
Classification: Uncertain significance for Cardiovascular phenotype; Hereditary cancer-predisposing syndrome. Last evaluated: 2021-03-22. Review status: criteria provided, single submitter. Criteria: Ambry Variant Classification Scheme 2023. Collection method: clinical testing. Allele origin: germline.
Comment: The p.H794Y variant (also known as c.2380C>T), located in coding exon 20 of the LZTR1 gene, results from a C to T substitution at nucleotide position 2380. The histidine at codon 794 is replaced by tyrosine, an amino acid with similar properties. This alteration was paternally inherited in an individual with intellectual disability and facial dysmorphology who was also found to have a 46,XY,t(9;18)(p13;q12.2) as well as a small gain on chromosome 4 in a non-disease associated region (Nizon M et al. Genet Med, 2019 12;21:2713-2722). This amino acid position is highly conserved in available vertebrate species. In addition, the in silico prediction for this alteration is inconclusive. Since supporting evidence is limited at this time, the clinical significance of this alteration remains unclear.

NM_006767.4(LZTR1):c.2380C>T (p.His794Tyr)

Gene: LZTR1 (leucine zipper like post translational regulator 1; plus strand). Cytogenetic location: 22q11.21.
Variant type: single nucleotide variant.
Coding change: c.2380C>T on transcript NM_006767.4 (MANE Select); coding-DNA position 2380, C replaced by T.
Protein change: p.His794Tyr; replaces histidine 794 with tyrosine.
Molecular consequence: missense variant.
Genome position (GRCh38, 1-based): chr22:20,996,940, C>T. VCF-style: chr22-20996940-C-T. GRCh37 (hg19) VCF-style: chr22-21351229-C-T.
Other names: short protein forms H794Y.
Identifiers: ClinVar variation 1790438 (VCV001790438.6), dbSNP rs2518626113, ClinGen allele CA410781135.